The following is an entry in ClinVar:

ClinVar aggregate classification (germline): Uncertain significance (1 of 4 stars; one submission).

Submission:

GeneDx
Classification: Uncertain significance. Last evaluated: 2024-12-05. Review status: criteria provided, single submitter. Criteria: GeneDx Variant Classification Process June 2021. Collection method: clinical testing. Allele origin: germline. Affected: yes.
Comment: Not observed at significant frequency in large population cohorts (gnomAD); In silico analysis supports that this missense variant has a deleterious effect on protein structure/function; Has not been previously published as pathogenic or benign to our knowledge

NM_003412.4(ZIC1):c.766G>T (p.Val256Phe)

Gene: ZIC1 (Zic family member 1; plus strand). Cytogenetic location: 3q24.
Variant type: single nucleotide variant.
Coding change: c.766G>T on transcript NM_003412.4 (MANE Select); coding-DNA position 766, G replaced by T.
Protein change: p.Val256Phe; replaces valine 256 with phenylalanine.
Molecular consequence: missense variant.
Genome position (GRCh38, 1-based): chr3:147,410,878, G>T. VCF-style: chr3-147410878-G-T. GRCh37 (hg19) VCF-style: chr3-147128665-G-T.
Other names: short protein forms V256F.
Identifiers: ClinVar variation 3903329 (VCV003903329.1).
Genomic context (GRCh38, chr3:147,410,878, plus strand): 5'-GCCAACCCCAAAAAGTCGTGCAACAAAACTTTCAGCACCATGCACGAGCTAGTTACGCAC[G>T]TCACCGTGGAGCACGTAGGTGGCCCGGAGCAGAGTAATCACATCTGCTTCTGGGAGGAGT-3'
Protein context (NP_003403.2, residues 246-266): FSTMHELVTH[Val256Phe]TVEHVGGPEQ